The following is an entry in ClinVar:

ClinVar aggregate classification (germline): Uncertain significance (1 of 4 stars; one submission).

Submission:

GeneDx
Classification: Uncertain significance. Last evaluated: 2023-12-07. Review status: criteria provided, single submitter. Criteria: GeneDx Variant Classification Process June 2021. Collection method: clinical testing. Allele origin: germline. Affected: yes.
Comment: Has not been previously published as pathogenic or benign to our knowledge; Not observed at significant frequency in large population cohorts (gnomAD); In silico analysis supports that this missense variant does not alter protein structure/function

NM_001829.4(CLCN3):c.1156T>C (p.Tyr386His)

Gene: CLCN3 (chloride voltage-gated channel 3; plus strand). Cytogenetic location: 4q33.
Variant type: single nucleotide variant.
Coding change: c.1156T>C on transcript NM_001829.4 (MANE Select); coding-DNA position 1156, T replaced by C.
Protein change: p.Tyr386His; replaces tyrosine 386 with histidine.
Molecular consequence: missense variant.
Genome position (GRCh38, 1-based): chr4:169,697,327, T>C. VCF-style: chr4-169697327-T-C. GRCh37 (hg19) VCF-style: chr4-170618478-T-C.
Other names: c.1075T>C, p.Tyr359His (NM_001243372.2, NM_001243374.2); c.1156T>C, p.Tyr386His (NM_173872.4); short protein forms Y359H, Y386H.
Identifiers: ClinVar variation 3365209 (VCV003365209.1).